The following is an entry in ClinVar:

NM_138711.6(PPARG):c.954T>C (p.Tyr318=)

Gene: PPARG (peroxisome proliferator activated receptor gamma; plus strand). Cytogenetic location: 3p25.2.
Variant type: single nucleotide variant.
Coding change: c.954T>C on transcript NM_138711.6 (MANE Select); coding-DNA position 954, T replaced by C.
Protein change: p.Tyr318=; no amino-acid change (tyrosine 318 retained).
Molecular consequence: synonymous variant. On other transcripts: intron variant (5).
Genome position (GRCh38, 1-based): chr3:12,416,928, T>C. VCF-style: chr3-12416928-T-C. GRCh37 (hg19) VCF-style: chr3-12458427-T-C.
Other names: c.954T>C, p.Tyr318= (NM_001354666.3, NM_001354667.3, NM_001374263.2 and 3 more transcripts); c.327T>C, p.Tyr109= (NM_001354669.2); c.1044T>C, p.Tyr348= (NM_015869.5); c.729+10847T>C (NM_001374261.3, NM_001374262.3, NM_001330615.4); c.653+10929T>C (NM_001374266.1); c.819+10847T>C (NM_001374265.1).
Identifiers: ClinVar variation 3355059 (VCV003355059.3).

ClinVar aggregate classification (germline): Likely benign. Review status: criteria provided, single submitter (1 of 4 stars). 2 submissions from 2 submitters: Likely benign (1). 1 of the submissions does not count toward it. Last evaluated 2024-07-01.

Conditions:
PPARG-related disorder. Also called: PPARG-related disorders; PPARG-related condition.

gnomAD v4.1: 7 of 1,613,942 alleles (0.00043%); highest among the groups gnomAD compares: African/African-American, 0.0067%; no homozygotes.

Submissions (2):

Labcorp Genetics (formerly Invitae), Labcorp
Classification: Likely benign. Last evaluated: 2024-07-01. Review status: criteria provided, single submitter. Criteria: Invitae Variant Classification Sherloc (09022015). Collection method: clinical testing. Allele origin: germline.

PreventionGenetics, part of Exact Sciences
Classification: Likely benign for PPARG-related condition. Last evaluated: 2021-10-26. Review status: no assertion criteria provided. Collection method: clinical testing. Allele origin: germline. Not counted in ClinVar's aggregate classification.
Comment: This variant is classified as likely benign based on ACMG/AMP sequence variant interpretation guidelines (Richards et al. 2015 PMID: 25741868, with internal and published modifications).